The following is an entry in ClinVar:

NM_001754.5(RUNX1):c.181C>G (p.Pro61Ala)

Gene: RUNX1 (RUNX family transcription factor 1; minus strand). Cytogenetic location: 21q22.12.
Variant type: single nucleotide variant.
Coding change: c.181C>G on transcript NM_001754.5 (MANE Select); coding-DNA position 181, C replaced by G.
Protein change: p.Pro61Ala; replaces proline 61 with alanine.
Molecular consequence: missense variant.
Genome position (GRCh38, 1-based): chr21:34,887,013, G>C on the plus strand (C>G on the coding strand, the complement: RUNX1 is on the minus strand). VCF-style: chr21-34887013-G-C. GRCh37 (hg19) VCF-style: chr21-36259310-G-C.
Other names: c.100C>G, p.Pro34Ala (NM_001001890.3, NM_001122607.2); short protein forms P34A, P61A.
Identifiers: ClinVar variation 4863666 (VCV004863666.1).

ClinVar aggregate classification (germline): Uncertain significance (1 of 4 stars; one submission).

Conditions:
Inborn genetic diseases. Identifiers: MedGen C0950123, MeSH D030342.

Submission:

Ambry Genetics
Classification: Uncertain significance for Inborn genetic diseases. Last evaluated: 2026-06-14. Review status: criteria provided, single submitter. Criteria: Ambry Variant Classification Scheme 2023. Collection method: clinical testing. Allele origin: germline.
Comment: The p.P61A variant (also known as c.181C>G), located in coding exon 3 of the RUNX1 gene, results from a C to G substitution at nucleotide position 181. The proline at codon 61 is replaced by alanine, an amino acid with highly similar properties. This amino acid position is conserved. In addition, the in silico prediction for this alteration is inconclusive. Based on the available evidence, the clinical significance of this variant remains unclear.